The following is an entry in ClinVar:

NM_001220.5(CAMK2B):c.965C>T (p.Ala322Val)

Gene: CAMK2B (calcium/calmodulin dependent protein kinase II beta; minus strand). Cytogenetic location: 7p13.
Variant type: single nucleotide variant.
Coding change: c.965C>T on transcript NM_001220.5 (MANE Select); coding-DNA position 965, C replaced by T.
Protein change: p.Ala322Val; replaces alanine 322 with valine.
Molecular consequence: missense variant. On other transcripts: intron variant (5).
Genome position (GRCh38, 1-based): chr7:44,239,645, G>A on the plus strand (C>T on the coding strand, the complement: CAMK2B is on the minus strand). VCF-style: chr7-44239645-G-A. GRCh37 (hg19) VCF-style: chr7-44279244-G-A.
Other names: c.965C>T, p.Ala322Val (NM_001293170.2, NM_172078.3, NM_172082.3); c.946+1062C>T (NM_172084.3, NM_172080.3, NM_172083.3 and 2 more transcripts); short protein forms A322V.
Identifiers: ClinVar variation 2831931 (VCV002831931.3), dbSNP rs2485933229, ClinGen allele CA367362427.

ClinVar aggregate classification (germline): Uncertain significance (1 of 4 stars; one submission).

Allele frequency attached by ClinVar (database versions not stated): gnomAD exomes below 0.00001.
gnomAD v4.1: 6 of 1,550,334 alleles (0.00039%); highest among the groups gnomAD compares: Non-Finnish European, 0.00052%; no homozygotes.

Submission:

Labcorp Genetics (formerly Invitae), Labcorp
Classification: Uncertain significance. Last evaluated: 2023-02-13. Review status: criteria provided, single submitter. Criteria: Invitae Variant Classification Sherloc (09022015). Collection method: clinical testing. Allele origin: germline.
Comment: In summary, the available evidence is currently insufficient to determine the role of this variant in disease. Therefore, it has been classified as a Variant of Uncertain Significance. Algorithms developed to predict the effect of missense changes on protein structure and function (SIFT, PolyPhen-2, Align-GVGD) all suggest that this variant is likely to be disruptive. This variant has not been reported in the literature in individuals affected with CAMK2B-related conditions. This variant is not present in population databases (gnomAD no frequency). This sequence change replaces alanine, which is neutral and non-polar, with valine, which is neutral and non-polar, at codon 322 of the CAMK2B protein (p.Ala322Val).